The following is an entry in ClinVar:

ClinVar aggregate classification (germline): Pathogenic (1 of 4 stars; one submission).

Conditions:
Hypertrophic cardiomyopathy. Also called: HYPERTROPHIC MYOCARDIOPATHY. Identifiers: Orphanet 217569, MedGen C0007194, MeSH D002312, MONDO:0005045, HP:0001639.

Submission:

Labcorp Genetics (formerly Invitae), Labcorp
Classification: Pathogenic for Hypertrophic cardiomyopathy. Last evaluated: 2025-05-18. Review status: criteria provided, single submitter. Criteria: Invitae Variant Classification Sherloc (09022015). Collection method: clinical testing. Allele origin: germline.
Comment: This sequence change creates a premature translational stop signal (p.Glu710Aspfs*44) in the MYBPC3 gene. It is expected to result in an absent or disrupted protein product. Loss-of-function variants in MYBPC3 are known to be pathogenic (PMID: 19574547). This variant is not present in population databases (gnomAD no frequency). This variant has not been reported in the literature in individuals affected with MYBPC3-related conditions. ClinVar contains an entry for this variant (Variation ID: 2797048). For these reasons, this variant has been classified as Pathogenic.

Literature cited by the submitters: PubMed 19574547.

NM_000256.3(MYBPC3):c.2130del (p.Glu710fs)

Gene: MYBPC3 (myosin binding protein C3; minus strand). Cytogenetic location: 11p11.2.
Variant type: Deletion.
Coding change: c.2130del on transcript NM_000256.3 (MANE Select); coding-DNA position 2130, one base deleted (G; older notation c.2130delG).
Protein change: p.Glu710fs; shifts the reading frame from glutamic acid 710.
Molecular consequence: frameshift variant.
Genome position (GRCh38, 1-based): chr11:47,339,342, C deleted on the plus strand (G on the coding strand, the reverse complement: MYBPC3 is on the minus strand). VCF-style (leftmost placement, unchanged base first): chr11-47339341-AC-A. GRCh37 (hg19) VCF-style: chr11-47360892-AC-A.
Other names: short protein forms E710fs.
Identifiers: ClinVar variation 2797048 (VCV002797048.3), dbSNP rs2495754560, ClinGen allele CA2739270437.
Genomic context (GRCh38, chr11:47,339,341, plus strand): 5'-ATGAAAGACAAACGAGCCTCCTCCTGACCTCAGTCTCACTCACCTTCTTGTCAAACACCC[AC>A]TCATCGCTGTCACCTGTGTCCTCTGGGGCATCTGGGGCTGGCCTGGCTGGGGCCTTATTC-3'